The following is an entry in ClinVar:

ClinVar aggregate classification (germline): Uncertain significance (1 of 4 stars; one submission).

Conditions:
Inborn genetic diseases. Identifiers: MedGen C0950123, MeSH D030342.

gnomAD v4.1: 3 of 1,375,738 alleles (0.00022%); highest among the groups gnomAD compares: African/African-American, 0.0016%; no homozygotes.

Submission:

Ambry Genetics
Classification: Uncertain significance for Inborn genetic diseases. Last evaluated: 2025-03-18. Review status: criteria provided, single submitter. Criteria: Ambry Variant Classification Scheme 2023. Collection method: clinical testing. Allele origin: germline.
Comment: The p.A118G variant (also known as c.353C>G), located in coding exon 1 of the SH2B3 gene, results from a C to G substitution at nucleotide position 353. The alanine at codon 118 is replaced by glycine, an amino acid with similar properties. This amino acid position is conserved. In addition, this alteration is predicted to be tolerated by in silico analysis. Based on the available evidence, the clinical significance of this variant remains unclear.

NM_005475.3(SH2B3):c.353C>G (p.Ala118Gly)

Gene: SH2B3 (SH2B adaptor protein 3; plus strand). Cytogenetic location: 12q24.12.
Variant type: single nucleotide variant.
Coding change: c.353C>G on transcript NM_005475.3 (MANE Select); coding-DNA position 353, C replaced by G.
Protein change: p.Ala118Gly; replaces alanine 118 with glycine.
Molecular consequence: missense variant.
Genome position (GRCh38, 1-based): chr12:111,418,498, C>G. VCF-style: chr12-111418498-C-G. GRCh37 (hg19) VCF-style: chr12-111856302-C-G.
Other names: short protein forms A118G.
Identifiers: ClinVar variation 3953361 (VCV003953361.1).